The following is an entry in ClinVar:

ClinVar aggregate classification (germline): Benign (1 of 4 stars; one submission).

Allele frequency attached by ClinVar (database versions not stated): gnomAD exomes 0.00082; ESP Exome Variant Server 0.00084; ExAC 0.00112; 1000 Genomes Project 0.00120; gnomAD 0.00204; 1000 Genomes Project 30x 0.00562.
gnomAD v4.1: 1,575 of 1,590,008 alleles (0.099%); highest among the groups gnomAD compares: African/African-American, 0.23%; 14 homozygotes.

Submission:

CeGaT Center for Human Genetics Tuebingen
Classification: Benign. Last evaluated: 2024-02-01. Review status: criteria provided, single submitter. Criteria: CeGaT Center For Human Genetics Tuebingen Variant Classification Criteria Version 2. Collection method: clinical testing. Allele origin: germline. Affected: yes. Observed: 4 variant alleles.
Comment: AHNAK2: BP4, BS1, BS2

NM_138420.4(AHNAK2):c.7735A>G (p.Met2579Val)

Gene: AHNAK2 (AHNAK nucleoprotein 2; minus strand). Cytogenetic location: 14q32.33.
Variant type: single nucleotide variant.
Coding change: c.7735A>G on transcript NM_138420.4 (MANE Select); coding-DNA position 7735, A replaced by G.
Protein change: p.Met2579Val; replaces methionine 2579 with valine.
Molecular consequence: missense variant.
Genome position (GRCh38, 1-based): chr14:104,947,716, T>C on the plus strand (A>G on the coding strand, the complement: AHNAK2 is on the minus strand). VCF-style: chr14-104947716-T-C. GRCh37 (hg19) VCF-style: chr14-105414053-T-C.
Other names: c.7435A>G, p.Met2479Val (NM_001350929.2); short protein forms M2479V, M2579V.
Identifiers: ClinVar variation 2644719 (VCV002644719.24), dbSNP rs200965573, ClinGen allele CA7380410.